The following is an entry in ClinVar:

NM_014336.5(AIPL1):c.298C>G (p.Leu100Val)

Gene: AIPL1 (AIP like 1 HSP90 co-chaperone; minus strand). Cytogenetic location: 17p13.2.
Variant type: single nucleotide variant.
Coding change: c.298C>G on transcript NM_014336.5 (MANE Select); coding-DNA position 298, C replaced by G.
Protein change: p.Leu100Val; replaces leucine 100 with valine.
Molecular consequence: missense variant. On other transcripts: intron variant (1).
Genome position (GRCh38, 1-based): chr17:6,428,485, G>C on the plus strand (C>G on the coding strand, the complement: AIPL1 is on the minus strand). VCF-style: chr17-6428485-G-C. GRCh37 (hg19) VCF-style: chr17-6331805-G-C.
Other names: c.118C>G, p.Leu40Val (NM_001033055.3); c.262C>G, p.Leu88Val (NM_001285399.3); c.232C>G, p.Leu78Val (NM_001285400.3); c.298C>G, p.Leu100Val (NM_001285401.3, NM_001285403.4); c.181C>G, p.Leu61Val (NM_001285402.2); c.277-1428C>G (NM_001033054.3); short protein forms L61V, L88V, L40V, L78V, L100V.
Identifiers: ClinVar variation 1377197 (VCV001377197.4), dbSNP rs1223856637, ClinGen allele CA397396649.

ClinVar aggregate classification (germline): Uncertain significance (1 of 4 stars; one submission).

Conditions:
Leber congenital amaurosis 4 (LCA4). Identifiers: MedGen C1858386, MONDO:0011458, OMIM 604393.

Allele frequency attached by ClinVar (database versions not stated): gnomAD 0.00001; TOPMed 0.00001.

Submission:

Labcorp Genetics (formerly Invitae), Labcorp
Classification: Uncertain significance for Leber congenital amaurosis 4. Last evaluated: 2026-01-26. Review status: criteria provided, single submitter. Criteria: Invitae Variant Classification Sherloc (09022015). Collection method: clinical testing. Allele origin: germline.
Comment: This sequence change replaces leucine, which is neutral and non-polar, with valine, which is neutral and non-polar, at codon 100 of the AIPL1 protein (p.Leu100Val). This variant is not present in population databases (gnomAD no frequency). This variant has not been reported in the literature in individuals affected with AIPL1-related conditions. ClinVar contains an entry for this variant (Variation ID: 1377197). Invitae Evidence Modeling of protein sequence and biophysical properties (such as structural, functional, and spatial information, amino acid conservation, physicochemical variation, residue mobility, and thermodynamic stability) indicates that this missense variant is not expected to disrupt AIPL1 protein function with a negative predictive value of 95%. In summary, the available evidence is currently insufficient to determine the role of this variant in disease. Therefore, it has been classified as a Variant of Uncertain Significance.